The following is an entry in ClinVar:

ClinVar aggregate classification (germline): Pathogenic. Review status: criteria provided, multiple submitters, no conflicts (2 of 4 stars). 2 submissions from 2 submitters: Pathogenic (2). Last evaluated 2024-11-21.

Conditions:
Familial thoracic aortic aneurysm and aortic dissection (TAAD). Also called: Thoracic aortic aneurysms and dissections. Identifiers: Orphanet 91387, MedGen C4707243, MONDO:0019625.
Marfan syndrome (MFS). Also called: FBN1-Related Marfan Syndrome; Marfan syndrome type 1; Marfan's syndrome; Marfan syndrome, classic; MARFAN SYNDROME, TYPE I. Identifiers: Orphanet 284963, Orphanet 558, MedGen C0024796, MONDO:0007947, OMIM 154700.

Allele frequency attached by ClinVar (database versions not stated): gnomAD 0.00001.
gnomAD v4.1: 1 of 1,612,702 alleles (0.000062%); highest among the groups gnomAD compares: East Asian, 0.0022%; no homozygotes.

Submissions (2):

Ambry Genetics
Classification: Pathogenic for Familial thoracic aortic aneurysm and aortic dissection. Last evaluated: 2024-11-21. Review status: criteria provided, single submitter. Criteria: Ambry Variant Classification Scheme 2023. Collection method: clinical testing. Allele origin: germline.
Comment: The p.E2253* pathogenic mutation (also known as c.6757G>T), located in coding exon 55 of the FBN1 gene, results from a G to T substitution at nucleotide position 6757. This changes the amino acid from a glutamic acid to a stop codon within coding exon 55. This variant is considered to be rare based on population cohorts in the Genome Aggregation Database (gnomAD). This alteration is expected to result in loss of function by premature protein truncation or nonsense-mediated mRNA decay. As such, this alteration is interpreted as a disease-causing mutation.

Labcorp Genetics (formerly Invitae), Labcorp
Classification: Pathogenic for Marfan syndrome; Familial thoracic aortic aneurysm and aortic dissection. Last evaluated: 2023-10-03. Review status: criteria provided, single submitter. Criteria: Invitae Variant Classification Sherloc (09022015). Collection method: clinical testing. Allele origin: germline.
Comment: This sequence change creates a premature translational stop signal (p.Glu2253*) in the FBN1 gene. It is expected to result in an absent or disrupted protein product. Loss-of-function variants in FBN1 are known to be pathogenic (PMID: 17657824, 19293843). This variant is not present in population databases (gnomAD no frequency). This variant has not been reported in the literature in individuals affected with FBN1-related conditions. ClinVar contains an entry for this variant (Variation ID: 566067). For these reasons, this variant has been classified as Pathogenic.

Literature cited by the submitters: PubMed 17657824 (cited by Labcorp Genetics (formerly Invitae), Labcorp); PubMed 19293843 (cited by Labcorp Genetics (formerly Invitae), Labcorp).

NM_000138.5(FBN1):c.6757G>T (p.Glu2253Ter)

Gene: FBN1 (fibrillin 1; minus strand). Cytogenetic location: 15q21.1.
Variant type: single nucleotide variant.
Coding change: c.6757G>T on transcript NM_000138.5 (MANE Select); coding-DNA position 6757, G replaced by T.
Protein change: p.Glu2253Ter; replaces glutamic acid 2253 with a stop codon.
Molecular consequence: nonsense.
Genome position (GRCh38, 1-based): chr15:48,430,785, C>A on the plus strand (G>T on the coding strand, the complement: FBN1 is on the minus strand). VCF-style: chr15-48430785-C-A. GRCh37 (hg19) VCF-style: chr15-48722982-C-A.
Other names: short protein forms E2253*.
Identifiers: ClinVar variation 566067 (VCV000566067.7), dbSNP rs1245476075, ClinGen allele CA392332834.